The following is an entry in ClinVar:

ClinVar aggregate classification (germline): Likely benign. Review status: criteria provided, single submitter (1 of 4 stars). 2 submissions from 2 submitters: Likely benign (1). 1 of the submissions does not count toward it. Last evaluated 2025-12-27.

Conditions:
COL27A1-related disorder. Also called: COL27A1-related condition.

Allele frequency attached by ClinVar (database versions not stated): gnomAD 0.00001 and 0.00002; ExAC 0.00002; TOPMed 0.00003; gnomAD exomes 0.00006; ESP Exome Variant Server 0.00008.
gnomAD v4.1: 43 of 1,498,228 alleles (0.0029%); highest among the groups gnomAD compares: Admixed American, 0.017%; no homozygotes.

Submissions (2):

Labcorp Genetics (formerly Invitae), Labcorp
Classification: Likely benign. Last evaluated: 2025-12-27. Review status: criteria provided, single submitter. Criteria: Invitae Variant Classification Sherloc (09022015). Collection method: clinical testing. Allele origin: germline.

PreventionGenetics, part of Exact Sciences
Classification: Likely benign for COL27A1-related condition. Last evaluated: 2019-08-27. Review status: no assertion criteria provided. Collection method: clinical testing. Allele origin: germline. Not counted in ClinVar's aggregate classification.
Comment: This variant is classified as likely benign based on ACMG/AMP sequence variant interpretation guidelines (Richards et al. 2015 PMID: 25741868, with internal and published modifications).

NM_032888.4(COL27A1):c.4701+9C>T

Gene: COL27A1 (collagen type XXVII alpha 1 chain; plus strand). Cytogenetic location: 9q32.
Variant type: single nucleotide variant.
Coding change: c.4701+9C>T on transcript NM_032888.4 (MANE Select); 9 bases into the intron after coding-DNA position 4701, C replaced by T.
Molecular consequence: intron variant.
Genome position (GRCh38, 1-based): chr9:114,300,696, C>T. VCF-style: chr9-114300696-C-T. GRCh37 (hg19) VCF-style: chr9-117062976-C-T.
Other names: c.4701+9C>T (NM_032888.3).
Identifiers: ClinVar variation 1081255 (VCV001081255.11), dbSNP rs374574395, ClinGen allele CA5203036.